The following is an entry in ClinVar:

ClinVar aggregate classification (germline): Likely benign (1 of 4 stars; one submission).

Allele frequency attached by ClinVar (database versions not stated): gnomAD exomes below 0.00001.
gnomAD v4.1: 1 of 1,459,642 alleles (0.000069%); highest among the groups gnomAD compares: Non-Finnish European, 0.000092%; no homozygotes.

Submission:

GeneDx
Classification: Likely benign. Last evaluated: 2017-11-02. Review status: criteria provided, single submitter. Criteria: GeneDx Variant Classification (06012015). Collection method: clinical testing. Allele origin: germline. Affected: yes.
Comment: This variant is considered likely benign or benign based on one or more of the following criteria: it is a conservative change, it occurs at a poorly conserved position in the protein, it is predicted to be benign by multiple in silico algorithms, and/or has population frequency not consistent with disease.

NM_144573.4(NEXN):c.-43T>A

Gene: NEXN (nexilin F-actin binding protein; plus strand). Cytogenetic location: 1p31.1.
Variant type: single nucleotide variant.
Coding change: c.-43T>A on transcript NM_144573.4 (MANE Select); 43 bases upstream of the start codon, T replaced by A.
Molecular consequence: 5 prime UTR variant.
Genome position (GRCh38, 1-based): chr1:77,916,064, T>A. VCF-style: chr1-77916064-T-A. GRCh37 (hg19) VCF-style: chr1-78381749-T-A.
Other names: c.-43T>A (NM_001172309.2).
Identifiers: ClinVar variation 513029 (VCV000513029.1), dbSNP rs765499984, ClinGen allele CA658795478.